The following is an entry in ClinVar:

NM_001015877.2(PHF6):c.761C>T (p.Thr254Ile)

Gene: PHF6 (PHD finger protein 6; plus strand). Cytogenetic location: Xq26.2.
Variant type: single nucleotide variant.
Coding change: c.761C>T on transcript NM_001015877.2 (MANE Select); coding-DNA position 761, C replaced by T.
Protein change: p.Thr254Ile; replaces threonine 254 with isoleucine.
Molecular consequence: missense variant.
Genome position (GRCh38, 1-based): chrX:134,415,047, C>T. VCF-style: chrX-134415047-C-T. GRCh37 (hg19) VCF-style: chrX-133549077-C-T.
Other names: c.764C>T, p.Thr255Ile (NM_032335.3); c.761C>T, p.Thr254Ile (NM_032458.3); short protein forms T254I, T255I.
Identifiers: ClinVar variation 2637144 (VCV002637144.1), dbSNP rs2520636009, ClinGen allele CA414713176.

ClinVar aggregate classification (germline): Uncertain significance (1 of 4 stars; one submission).

Conditions:
PHF6-related disorder. Also called: PHF6-related condition.

Submission:

PreventionGenetics, part of Exact Sciences
Classification: Uncertain significance for PHF6-related condition. Last evaluated: 2022-09-28. Review status: criteria provided, single submitter. Criteria: ACMG Guidelines, 2015. Collection method: clinical testing. Allele origin: germline.
Comment: The PHF6 c.761C>T variant is predicted to result in the amino acid substitution p.Thr254Ile. To our knowledge, this variant has not been reported in the literature or in a large population database, indicating this variant is rare. A different amino acid substitution affecting the same residue (p.Thr254Lys) was reported in the hemizygous state in an individual with X-linked intellectual disability (Hu et al. 2016. PubMed ID: 25644381; Suppl. Table 5). At this time, the clinical significance of the c.761C>T (p.Thr254Ile) variant is uncertain due to the absence of conclusive functional and genetic evidence.